The following is an entry in ClinVar:

ClinVar aggregate classification (germline): Uncertain significance (1 of 4 stars; one submission).

Submission:

Labcorp Genetics (formerly Invitae), Labcorp
Classification: Uncertain significance. Last evaluated: 2022-11-01. Review status: criteria provided, single submitter. Criteria: Invitae Variant Classification Sherloc (09022015). Collection method: clinical testing. Allele origin: germline.
Comment: In summary, the available evidence is currently insufficient to determine the role of this variant in disease. Therefore, it has been classified as a Variant of Uncertain Significance. Experimental studies and prediction algorithms are not available or were not evaluated, and the functional significance of this variant is currently unknown. This variant has not been reported in the literature in individuals affected with FGFRL1-related conditions. The frequency data for this variant in the population databases is considered unreliable, as metrics indicate poor data quality at this position in the gnomAD database. This sequence change results in a frameshift in the FGFRL1 gene (p.Ser490Thrfs*61). While this is not anticipated to result in nonsense mediated decay, it is expected to disrupt the last 15 amino acid(s) of the FGFRL1 protein and extend the protein by 45 additional amino acid residues.

NM_001004356.3(FGFRL1):c.1468_1469del (p.Ser490fs)

Gene: FGFRL1 (fibroblast growth factor receptor like 1; plus strand). Cytogenetic location: 4p16.3.
Variant type: Deletion.
Coding change: c.1468_1469del on transcript NM_001004356.3 (MANE Select); coding-DNA positions 1468 to 1469, 2 bases deleted (TC; older notation c.1468_1469delTC).
Protein change: p.Ser490fs; shifts the reading frame from serine 490.
Molecular consequence: frameshift variant.
Genome position (GRCh38, 1-based): chr4:1,025,300-1,025,301, TC deleted; deleting any 2 consecutive bases within chr4:1,025,299-1,025,301 gives the same sequence; the c. name uses the placement nearest the transcript's 3' end. VCF-style (leftmost placement, unchanged base first): chr4-1025298-ACT-A. GRCh37 (hg19) VCF-style: chr4-1019086-ACT-A.
Other names: c.1468_1469del, p.Ser490fs (NM_001004358.1, NM_001370296.1, NM_021923.3); short protein forms S490fs.
Identifiers: ClinVar variation 1935477 (VCV001935477.5), dbSNP rs1395581911, ClinGen allele CA549265223.